The following is an entry in ClinVar:

NM_018406.7(MUC4):c.12520_12521del (p.Gly4174fs)

Genes: MUC4 (mucin 4, cell surface associated), LOC126806930 (BRD4-independent group 4 enhancer GRCh37_chr3:195505212-195506411). Cytogenetic location: 3q29.
Variant type: Deletion.
Coding change: c.12520_12521del on transcript NM_018406.7 (MANE Select); coding-DNA positions 12520 to 12521, 2 bases deleted.
Protein change: p.Gly4174fs; shifts the reading frame from glycine 4174.
Molecular consequence: frameshift variant. On other transcripts: genic upstream transcript variant (2).
Genome position: GRCh38 VCF-style: chr3-195779058-GCC-G. GRCh37 (hg19) VCF-style: chr3-195505929-GCC-G.
Other names: c.18058_18059del, p.Ala6020fs (NM_001322468.1); c.83-4755_83-4754del (NM_138297.5); c.83-605_83-604del (NM_004532.6); short protein forms A6020fs, G4174fs.
Identifiers: ClinVar variation 2654380 (VCV002654380.24), dbSNP rs1464499426, ClinGen allele CA549257280.

ClinVar aggregate classification (germline): Likely benign (1 of 4 stars; one submission).

Allele frequency attached by ClinVar (database versions not stated): gnomAD 0.00054.

Submission:

CeGaT Center for Human Genetics Tuebingen
Classification: Likely benign. Last evaluated: 2023-08-01. Review status: criteria provided, single submitter. Criteria: CeGaT Center For Human Genetics Tuebingen Variant Classification Criteria Version 2. Collection method: clinical testing. Allele origin: germline. Affected: yes. Observed: 1 variant allele.
Comment: MUC4: BS2